The following is an entry in ClinVar:

ClinVar aggregate classification (germline): Uncertain significance (1 of 4 stars; one submission).

Allele frequency attached by ClinVar (database versions not stated): gnomAD exomes 0.00002; ExAC 0.00004.
gnomAD v4.1: 33 of 1,610,568 alleles (0.002%); highest among the groups gnomAD compares: Non-Finnish European, 0.0026%; no homozygotes.

Submission:

Labcorp Genetics (formerly Invitae), Labcorp
Classification: Uncertain significance. Last evaluated: 2022-05-14. Review status: criteria provided, single submitter. Criteria: Invitae Variant Classification Sherloc (09022015). Collection method: clinical testing. Allele origin: germline.
Comment: This variant has not been reported in the literature in individuals affected with SI-related conditions. This sequence change falls in intron 27 of the SI gene. It does not directly change the encoded amino acid sequence of the SI protein. It affects a nucleotide within the consensus splice site. This variant is present in population databases (rs778877034, gnomAD 0.003%). Variants that disrupt the consensus splice site are a relatively common cause of aberrant splicing (PMID: 17576681, 9536098). Algorithms developed to predict the effect of sequence changes on RNA splicing suggest that this variant is not likely to affect RNA splicing. In summary, the available evidence is currently insufficient to determine the role of this variant in disease. Therefore, it has been classified as a Variant of Uncertain Significance.

Literature cited by the submitters: PubMed 17576681; PubMed 9536098.

NM_001041.4(SI):c.3255-3C>T

Gene: SI (sucrase-isomaltase; minus strand). Cytogenetic location: 3q26.1.
Variant type: single nucleotide variant.
Coding change: c.3255-3C>T on transcript NM_001041.4 (MANE Select); 3 bases into the intron before coding-DNA position 3255, C replaced by T.
Molecular consequence: intron variant.
Genome position (GRCh38, 1-based): chr3:165,019,773, G>A on the plus strand (C>T on the coding strand, the complement: SI is on the minus strand). VCF-style: chr3-165019773-G-A. GRCh37 (hg19) VCF-style: chr3-164737561-G-A.
Identifiers: ClinVar variation 1933280 (VCV001933280.5), dbSNP rs778877034, ClinGen allele CA2690319.